The following is an entry in ClinVar:

NM_004366.6(CLCN2):c.2000C>T (p.Pro667Leu)

Gene: CLCN2 (chloride voltage-gated channel 2; minus strand). Cytogenetic location: 3q27.1.
Variant type: single nucleotide variant.
Coding change: c.2000C>T on transcript NM_004366.6 (MANE Select); coding-DNA position 2000, C replaced by T.
Protein change: p.Pro667Leu; replaces proline 667 with leucine.
Molecular consequence: missense variant.
Genome position (GRCh38, 1-based): chr3:184,353,278, G>A on the plus strand (C>T on the coding strand, the complement: CLCN2 is on the minus strand). VCF-style: chr3-184353278-G-A. GRCh37 (hg19) VCF-style: chr3-184071066-G-A.
Other names: c.1949C>T, p.Pro650Leu (NM_001171087.3); c.1868C>T, p.Pro623Leu (NM_001171088.3); c.2000C>T, p.Pro667Leu (NM_001171089.3); short protein forms P667L, P650L, P623L.
Identifiers: ClinVar variation 3632161 (VCV003632161.2).

ClinVar aggregate classification (germline): Uncertain significance (1 of 4 stars; one submission).

Submission:

Labcorp Genetics (formerly Invitae), Labcorp
Classification: Uncertain significance. Last evaluated: 2025-02-24. Review status: criteria provided, single submitter. Criteria: Invitae Variant Classification Sherloc (09022015). Collection method: clinical testing. Allele origin: germline.
Comment: This sequence change replaces proline, which is neutral and non-polar, with leucine, which is neutral and non-polar, at codon 667 of the CLCN2 protein (p.Pro667Leu). This variant is present in population databases (no rsID available, gnomAD 0.01%). This variant has not been reported in the literature in individuals affected with CLCN2-related conditions. Invitae Evidence Modeling of protein sequence and biophysical properties (such as structural, functional, and spatial information, amino acid conservation, physicochemical variation, residue mobility, and thermodynamic stability) indicates that this missense variant is not expected to disrupt CLCN2 protein function with a negative predictive value of 80%. In summary, the available evidence is currently insufficient to determine the role of this variant in disease. Therefore, it has been classified as a Variant of Uncertain Significance.